The following is an entry in ClinVar:

ClinVar aggregate classification (germline): Benign/Likely benign. Review status: criteria provided, multiple submitters, no conflicts (2 of 4 stars). 6 submissions from 6 submitters: Benign (2); Likely benign (4). Last evaluated 2025-11-23.

Conditions:
Hereditary pancreatitis (PCTT). Also called: PRSS1-Related Hereditary Pancreatitis; Hereditary chronic pancreatitis. Identifiers: Orphanet 676, MedGen C0238339, MONDO:0008185, OMIM 167800.

Allele frequency attached by ClinVar (database versions not stated): ESP Exome Variant Server 0.00069; TOPMed 0.00090; 1000 Genomes Project 30x 0.00094; 1000 Genomes Project 0.00100.
gnomAD v4.1: 313 of 1,614,050 alleles (0.019%); highest among the groups gnomAD compares: African/African-American, 0.31%; 1 homozygote.

Submissions (6):

Labcorp Genetics (formerly Invitae), Labcorp
Classification: Benign. Last evaluated: 2025-11-23. Review status: criteria provided, single submitter. Criteria: Invitae Variant Classification Sherloc (09022015). Collection method: clinical testing. Allele origin: germline.

Blueprint Genetics
Classification: Likely benign. Last evaluated: 2024-11-07. Review status: criteria provided, single submitter. Criteria: ACMG Guidelines, 2015. Collection method: clinical testing. Allele origin: germline.

CeGaT Center for Human Genetics Tuebingen
Classification: Likely benign. Last evaluated: 2023-12-01. Review status: criteria provided, single submitter. Criteria: CeGaT Center For Human Genetics Tuebingen Variant Classification Criteria Version 2. Collection method: clinical testing. Allele origin: germline. Affected: yes. Observed: 2 variant alleles.
Comment: CPA1: BP4

Sema4
Classification: Likely benign for Hereditary pancreatitis. Last evaluated: 2020-11-25. Review status: criteria provided, single submitter. Criteria: Sema4 Curation Guidelines. Collection method: curation. Allele origin: germline.

Ambry Genetics
Classification: Likely benign for Hereditary pancreatitis. Last evaluated: 2019-09-16. Review status: criteria provided, single submitter. Criteria: Ambry Variant Classification Scheme 2023. Collection method: clinical testing. Allele origin: germline.

PreventionGenetics, part of Exact Sciences
Classification: Benign. Review status: criteria provided, single submitter. Criteria: ACMG Guidelines, 2015. Collection method: clinical testing. Allele origin: germline.

Literature cited by the submitters: PubMed 23955596 (cited by Ambry Genetics).

NM_001868.4(CPA1):c.788-5C>G

Gene: CPA1 (carboxypeptidase A1; plus strand). Cytogenetic location: 7q32.2.
Variant type: single nucleotide variant.
Coding change: c.788-5C>G on transcript NM_001868.4 (MANE Select); 5 bases into the intron before coding-DNA position 788, C replaced by G.
Molecular consequence: intron variant.
Genome position (GRCh38, 1-based): chr7:130,385,141, C>G. VCF-style: chr7-130385141-C-G. GRCh37 (hg19) VCF-style: chr7-130024982-C-G.
Identifiers: ClinVar variation 258477 (VCV000258477.52), dbSNP rs201705049, ClinGen allele CA4484959.